The following is an entry in ClinVar:

NM_004397.6(DDX6):c.1011G>T (p.Ser337=)

Gene: DDX6 (DEAD-box helicase 6; minus strand). Cytogenetic location: 11q23.3.
Variant type: single nucleotide variant.
Coding change: c.1011G>T on transcript NM_004397.6 (MANE Select); coding-DNA position 1011, G replaced by T.
Protein change: p.Ser337=; no amino-acid change (serine 337 retained).
Molecular consequence: synonymous variant.
Genome position (GRCh38, 1-based): chr11:118,757,270, C>A on the plus strand (G>T on the coding strand, the complement: DDX6 is on the minus strand). VCF-style: chr11-118757270-C-A. GRCh37 (hg19) VCF-style: chr11-118627979-C-A.
Other names: c.1011G>T, p.Ser337= (NM_001257191.3).
Identifiers: ClinVar variation 2498536 (VCV002498536.28), dbSNP rs782386385, ClinGen allele CA477104537.

ClinVar aggregate classification (germline): Likely benign (1 of 4 stars; one submission).

Submission:

CeGaT Center for Human Genetics Tuebingen
Classification: Likely benign. Last evaluated: 2023-03-01. Review status: criteria provided, single submitter. Criteria: CeGaT Center For Human Genetics Tuebingen Variant Classification Criteria Version 2. Collection method: clinical testing. Allele origin: germline. Affected: yes. Observed: 2 variant alleles.
Comment: DDX6: BP4, BP7